The following is an entry in ClinVar:

ClinVar aggregate classification (germline): Pathogenic (1 of 4 stars; one submission).

Conditions:
Orofacial cleft 6, susceptibility to (OFC6). Also called: CLEFT LIP WITH OR WITHOUT CLEFT PALATE, NONSYNDROMIC, 6. Identifiers: MedGen C1837213, MONDO:0012141, OMIM 608864.
Popliteal pterygium syndrome (PPS). Identifiers: Orphanet 294963, MedGen C0265259, MONDO:0017435.
Van der Woude syndrome. Identifiers: Orphanet 888, MedGen C0175697, MONDO:0019508.

Submission:

Labcorp Genetics (formerly Invitae), Labcorp
Classification: Pathogenic for Orofacial cleft 6, susceptibility to; Van der Woude syndrome; Popliteal pterygium syndrome. Last evaluated: 2025-02-26. Review status: criteria provided, single submitter. Criteria: Invitae Variant Classification Sherloc (09022015). Collection method: clinical testing. Allele origin: germline.
Comment: This sequence change creates a premature translational stop signal (p.Phe163Serfs*4) in the IRF6 gene. It is expected to result in an absent or disrupted protein product. Loss-of-function variants in IRF6 are known to be pathogenic (PMID: 19282774, 23949966). This variant is not present in population databases (gnomAD no frequency). This variant has not been reported in the literature in individuals affected with IRF6-related conditions. For these reasons, this variant has been classified as Pathogenic.

Literature cited by the submitters: PubMed 19282774; PubMed 23949966.

NM_006147.4(IRF6):c.486del (p.Phe163fs)

Gene: IRF6 (interferon regulatory factor 6; minus strand). Cytogenetic location: 1q32.2.
Variant type: Deletion.
Coding change: c.486del on transcript NM_006147.4 (MANE Select); coding-DNA position 486, one base deleted (C; older notation c.486delC).
Protein change: p.Phe163fs; shifts the reading frame from phenylalanine 163.
Molecular consequence: frameshift variant.
Genome position (GRCh38, 1-based): chr1:209,795,312, G deleted on the plus strand (C on the coding strand, the reverse complement: IRF6 is on the minus strand); the first of 2 consecutive G bases (chr1:209,795,312-209,795,313); deleting either gives the same sequence. VCF-style (leftmost placement, unchanged base first): chr1-209795311-AG-A. GRCh37 (hg19) VCF-style: chr1-209968656-AG-A.
Other names: c.201del, p.Phe68fs (NM_001206696.2); short protein forms F68fs, F163fs.
Identifiers: ClinVar variation 4784293 (VCV004784293.1).